The following is an entry in ClinVar:

NM_001673.5(ASNS):c.1374dup (p.Pro459fs)

Genes: ASNS (asparagine synthetase (glutamine-hydrolyzing); minus strand), CZ1P-ASNS (CZ1P-ASNS readthrough; minus strand). Cytogenetic location: 7q21.3.
Variant type: Duplication.
Coding change: c.1374dup on transcript NM_001673.5 (MANE Select); coding-DNA position 1374, one base duplicated (A; older notation c.1374dupA).
Protein change: p.Pro459fs; shifts the reading frame from proline 459.
Molecular consequence: frameshift variant. On other transcripts: non-coding transcript variant (1).
Genome position (GRCh38, 1-based): chr7:97,853,162, T duplicated on the plus strand (A on the coding strand, the reverse complement: ASNS is on the minus strand). VCF-style (leftmost placement, unchanged base first): chr7-97853161-G-GT. GRCh37 (hg19) VCF-style: chr7-97482473-G-GT.
Other names: c.1311dup, p.Pro438fs (NM_001178075.2); c.1125dup, p.Pro376fs (NM_001178076.2, NM_001178077.1); c.1374dup, p.Pro459fs (NM_001352496.2, NM_133436.3, NM_183356.4); short protein forms P376fs, P438fs, P459fs.
Identifiers: ClinVar variation 1448756 (VCV001448756.6), dbSNP rs2115591817, ClinGen allele CA2573142471.

ClinVar aggregate classification (germline): Pathogenic (1 of 4 stars; one submission).

Submission:

Labcorp Genetics (formerly Invitae), Labcorp
Classification: Pathogenic. Last evaluated: 2021-09-29. Review status: criteria provided, single submitter. Criteria: Invitae Variant Classification Sherloc (09022015). Collection method: clinical testing. Allele origin: germline.
Comment: For these reasons, this variant has been classified as Pathogenic. This variant has not been reported in the literature in individuals affected with ASNS-related conditions. This variant is not present in population databases (ExAC no frequency). This sequence change creates a premature translational stop signal (p.Pro459Thrfs*14) in the ASNS gene. It is expected to result in an absent or disrupted protein product. Loss-of-function variants in ASNS are known to be pathogenic (PMID: 27422383, 30057589).

Literature cited by the submitters: PubMed 27422383; PubMed 30057589.